The following is an entry in ClinVar:

NM_206933.4(USH2A):c.9258G>T (p.Gln3086His)

Gene: USH2A (usherin; minus strand). Cytogenetic location: 1q41.
Variant type: single nucleotide variant.
Coding change: c.9258G>T on transcript NM_206933.4 (MANE Select); coding-DNA position 9258, G replaced by T.
Protein change: p.Gln3086His; replaces glutamine 3086 with histidine.
Molecular consequence: missense variant.
Genome position (GRCh38, 1-based): chr1:215,844,294, C>A on the plus strand (G>T on the coding strand, the complement: USH2A is on the minus strand). VCF-style: chr1-215844294-C-A. GRCh37 (hg19) VCF-style: chr1-216017636-C-A.
Other names: short protein forms Q3086H.
Identifiers: ClinVar variation 555769 (VCV000555769.15), dbSNP rs1380261595, ClinGen allele CA344838424.
Genomic context (GRCh38, chr1:215,844,294, plus strand): 5'-GCCTGGCATGTTTTATTTAACATATCCATAAGCCTAACCATCAAAAAACAATGTTCTAAC[C>A]TGAATGTCATAGATAGTGAAGGGAGACAGGTCTCTCAGAATAAACGACCCAGGCACATTC-3'
Protein context (NP_996816.3, residues 3076-3096): DLSPFTIYDI[Gln3086His]VEVCTIYACV

ClinVar aggregate classification (germline): Pathogenic/Likely pathogenic. Review status: criteria provided, multiple submitters, no conflicts (2 of 4 stars). 7 submissions from 7 submitters: Pathogenic (2); Likely pathogenic (4). 1 of the submissions does not count toward it. Last evaluated 2026-01-27.

Conditions:
Usher syndrome. Also called: Usher Syndromes; Usher's syndrome. Identifiers: Orphanet 886, MedGen CN469326, MeSH D052245, MONDO:0019501. Disease mechanism: loss of function.
Usher syndrome type 2A. Also called: RETINAL DISEASE IN USHER SYNDROME TYPE IIA, MODIFIER OF; USHER SYNDROME, TYPE IIA. Identifiers: Orphanet 231178, Orphanet 886, MedGen C1848634, MONDO:0010169, OMIM 276901.
Retinitis pigmentosa 39 (RP39). Identifiers: Orphanet 791, MedGen C3151138, MONDO:0013436, OMIM 613809.
USH2A-related disorder. Also called: USH2A-related disorders; USH2A-related condition. Identifiers: MedGen CN239332.

Allele frequency attached by ClinVar (database versions not stated): gnomAD exomes 0.00001; gnomAD 0.00004.
gnomAD v4.1: 19 of 1,613,262 alleles (0.0012%); highest among the groups gnomAD compares: Non-Finnish European, 0.0015%; no homozygotes.

Submissions (7):

Labcorp Genetics (formerly Invitae), Labcorp
Classification: Pathogenic. Last evaluated: 2026-01-27. Review status: criteria provided, single submitter. Criteria: Invitae Variant Classification Sherloc (09022015). Collection method: clinical testing. Allele origin: germline.
Comment: This sequence change replaces glutamine, which is neutral and polar, with histidine, which is basic and polar, at codon 3086 of the USH2A protein (p.Gln3086His). This variant also falls at the last nucleotide of exon 46, which is part of the consensus splice site for this exon. This variant is present in population databases (no rsID available, gnomAD 0.002%). This missense change has been observed in individuals with retinitis pigmentosa (PMID: 26927203, 32531858; internal data). ClinVar contains an entry for this variant (Variation ID: 555769). An algorithm developed to predict the effect of missense changes on protein structure and function (PolyPhen-2) suggests that this variant is likely to be disruptive. Variants that disrupt the consensus splice site are a relatively common cause of aberrant splicing (PMID: 17576681, 9536098). Algorithms developed to predict the effect of sequence changes on RNA splicing suggest that this variant may disrupt the consensus splice site. For these reasons, this variant has been classified as Pathogenic.

Natera, Inc.
Classification: Likely pathogenic for Usher syndrome type 2A. Last evaluated: 2025-08-08. Review status: criteria provided, single submitter. Criteria: Natera Variant Classification Schema (03/2026). Collection method: clinical testing. Allele origin: germline.
Comment: The c.9258G>T variant in USH2A is a missense variant predicted to cause substitution of glutamine to histidine at amino acid 3086. This variant is rare in the general population with a frequency below the threshold expected for the associated phenotype(s). This variant has been observed in one or more individuals affected with the associated recessive disease, as either homozygous or compound heterozygous with a second variant (PMID: 36785559, 26927203, 36819107, 32531858, 39333430). Functional studies show that this variant may disrupt protein function (PMID: 36785559). Computational prediction algorithms indicate this variant is likely to affect gene or protein function. Given the available evidence, this variant is classified as Likely Pathogenic.

Women's Health and Genetics/Laboratory Corporation of America, LabCorp
Classification: Likely pathogenic for Usher syndrome. Last evaluated: 2024-08-01. Review status: criteria provided, single submitter. Criteria: LabCorp Variant Classification Summary - May 2015. Collection method: clinical testing. Allele origin: germline.
Comment: Variant summary: USH2A c.9258G>T (p.Gln3086His) results in a non-conservative amino acid change located in the Fibronectin type III domain (IPR003961) of the encoded protein sequence. Four of five in-silico tools predict a damaging effect of the variant on protein function. Several computational tools predict a significant impact on normal splicing: Two predict the variant abolishes a 5' splicing donor site. One predicts the variant weakens a 5' donor site. Two predict the variant abolishes a cryptic 3' acceptor site. At least one publication reports experimental evidence that this variant affects mRNA splicing (example, Reurink_2023). The variant allele was found at a frequency of 8e-06 in 250154 control chromosomes. c.9258G>T has been reported in the literature in the presumed compound heterozygous state in multiple individuals affected with Usher Syndrome and retinitis pigmentosa (example, Pierrache_2016, Reurink_2023, Weisschuh_2020). These data indicate that the variant may be associated with disease. The following publications have been ascertained in the context of this evaluation (PMID: 26927203, 36785559, 32531858). ClinVar contains an entry for this variant (Variation ID: 555769). Based on the evidence outlined above, the variant was classified as likely pathogenic.

Fulgent Genetics
Classification: Likely pathogenic for Usher syndrome type 2A; Retinitis pigmentosa 39. Last evaluated: 2024-01-30. Review status: criteria provided, single submitter. Criteria: ACMG Guidelines, 2015. Collection method: clinical testing. Allele origin: germline.

Baylor Genetics
Classification: Pathogenic for Retinitis pigmentosa 39. Last evaluated: 2023-10-28. Review status: criteria provided, single submitter. Criteria: ACMG Guidelines, 2015. Collection method: clinical testing. Allele origin: unknown.

Blueprint Genetics
Classification: Likely pathogenic for USH2A-related disorders. Last evaluated: 2021-06-02. Review status: criteria provided, single submitter. Criteria: ACMG Guidelines, 2015. Collection method: clinical testing. Allele origin: germline. Affected: yes. Observed: 3 variant alleles.

Counsyl
Classification: Uncertain significance for Usher syndrome type 2A; Retinitis pigmentosa 39. Last evaluated: 2017-12-21. Review status: flagged submission. Collection method: clinical testing. Allele origin: unknown. Not counted in ClinVar's aggregate classification.
ClinVar note: Reason: Older and outlier claim with insufficient supporting evidence

Literature cited by the submitters: PubMed 26927203 (cited by 4 submitters); PubMed 32531858 (cited by 3 submitters); PubMed 17576681 (cited by Labcorp Genetics (formerly Invitae), Labcorp); PubMed 9536098 (cited by Labcorp Genetics (formerly Invitae), Labcorp); PubMed 36785559 (cited by Natera, Inc. and Women's Health and Genetics/Laboratory Corporation of America, LabCorp); PubMed 36819107 (cited by Natera, Inc.); PubMed 39333430 (cited by Natera, Inc.).